The following is an entry in ClinVar:

NM_002506.3(NGF):c.439A>T (p.Thr147Ser)

Genes: NGF (nerve growth factor; minus strand), NGF-AS1 (NGF antisense RNA 1; plus strand). Cytogenetic location: 1p13.2.
Variant type: single nucleotide variant.
Coding change: c.439A>T on transcript NM_002506.3 (MANE Select); coding-DNA position 439, A replaced by T.
Protein change: p.Thr147Ser; replaces threonine 147 with serine.
Molecular consequence: missense variant.
Genome position (GRCh38, 1-based): chr1:115,286,357, T>A on the plus strand (A>T on the coding strand, the complement: NGF is on the minus strand). VCF-style: chr1-115286357-T-A. GRCh37 (hg19) VCF-style: chr1-115828978-T-A.
Other names: short protein forms T147S.
Identifiers: ClinVar variation 641309 (VCV000641309.8), dbSNP rs1571069577, ClinGen allele CA341836551.

ClinVar aggregate classification (germline): Uncertain significance (1 of 4 stars; one submission).

Conditions:
Congenital sensory neuropathy with selective loss of small myelinated fibers (HSAN5). Also called: HSAN Type V. Identifiers: Orphanet 64752, MedGen C0020075, MONDO:0012092, OMIM 608654.

Allele frequency attached by ClinVar (database versions not stated): gnomAD exomes below 0.00001; TOPMed below 0.00001.
gnomAD v4.1: 1 of 1,613,844 alleles (0.000062%); highest among the groups gnomAD compares: African/African-American, 0.0013%; no homozygotes.

Submission:

Labcorp Genetics (formerly Invitae), Labcorp
Classification: Uncertain significance for Congenital sensory neuropathy with selective loss of small myelinated fibers. Last evaluated: 2018-08-30. Review status: criteria provided, single submitter. Criteria: Invitae Variant Classification Sherloc (09022015). Collection method: clinical testing. Allele origin: germline.
Comment: In summary, the available evidence is currently insufficient to determine the role of this variant in disease. Therefore, it has been classified as a Variant of Uncertain Significance. Algorithms developed to predict the effect of missense changes on protein structure and function are either unavailable or do not agree on the potential impact of this missense change (SIFT: "Tolerated"; PolyPhen-2: "Benign"; Align-GVGD: "Class C0"). This variant has not been reported in the literature in individuals with NGF-related disease. This variant is not present in population databases (ExAC no frequency). This sequence change replaces threonine with serine at codon 147 of the NGF protein (p.Thr147Ser). The threonine residue is highly conserved and there is a small physicochemical difference between threonine and serine.